The following is an entry in ClinVar:

NM_020779.4(WDR35):c.2458C>T (p.Arg820Cys)

Gene: WDR35 (WD repeat domain 35; minus strand). Cytogenetic location: 2p24.1.
Variant type: single nucleotide variant.
Coding change: c.2458C>T on transcript NM_020779.4 (MANE Select); coding-DNA position 2458, C replaced by T.
Protein change: p.Arg820Cys; replaces arginine 820 with cysteine.
Molecular consequence: missense variant.
Genome position (GRCh38, 1-based): chr2:19,935,560, G>A on the plus strand (C>T on the coding strand, the complement: WDR35 is on the minus strand). VCF-style: chr2-19935560-G-A. GRCh37 (hg19) VCF-style: chr2-20135321-G-A.
Other names: c.2491C>T, p.Arg831Cys (NM_001006657.2); short protein forms R820C, R831C.
Identifiers: ClinVar variation 1328583 (VCV001328583.8), dbSNP rs141190788, ClinGen allele CA1542937.

ClinVar aggregate classification (germline): Uncertain significance. Review status: criteria provided, multiple submitters, no conflicts (2 of 4 stars). 4 submissions from 4 submitters: Uncertain significance (4). Last evaluated 2024-11-20.

Conditions:
Cranioectodermal dysplasia 2 (CED2). Identifiers: Orphanet 1515, MedGen C3150874, MONDO:0013323, OMIM 613610.
Short-rib thoracic dysplasia 7 with or without polydactyly (SRTD7). Also called: Short rib polydactyly syndrome 5; SHORT-RIB THORACIC DYSPLASIA 7 WITH POLYDACTYLY. Identifiers: Orphanet 498497, Orphanet 93271, MedGen C3279792, MONDO:0013569, OMIM 614091.

Allele frequency attached by ClinVar (database versions not stated): gnomAD exomes 0.00007 and 0.00016; ExAC 0.00019; TOPMed 0.00020; gnomAD 0.00022 and 0.00023; ESP Exome Variant Server 0.00031; 1000 Genomes Project 0.00040; 1000 Genomes Project 30x 0.00047.
gnomAD v4.1: 139 of 1,612,932 alleles (0.0086%); highest among the groups gnomAD compares: African/African-American, 0.068%; no homozygotes.

Submissions (4):

GeneDx
Classification: Uncertain significance. Last evaluated: 2024-11-20. Review status: criteria provided, single submitter. Criteria: GeneDx Variant Classification Process June 2021. Collection method: clinical testing. Allele origin: germline. Affected: yes.
Comment: In silico analysis supports that this missense variant has a deleterious effect on protein structure/function; Has not been previously published as pathogenic or benign to our knowledge

Fulgent Genetics
Classification: Uncertain significance for Cranioectodermal dysplasia 2; Short-rib thoracic dysplasia 7 with or without polydactyly. Last evaluated: 2024-06-13. Review status: criteria provided, single submitter. Criteria: ACMG Guidelines, 2015. Collection method: clinical testing. Allele origin: germline.

Labcorp Genetics (formerly Invitae), Labcorp
Classification: Uncertain significance for Cranioectodermal dysplasia 2; Short-rib thoracic dysplasia 7 with or without polydactyly. Last evaluated: 2022-08-16. Review status: criteria provided, single submitter. Criteria: Invitae Variant Classification Sherloc (09022015). Collection method: clinical testing. Allele origin: germline.
Comment: This sequence change replaces arginine, which is basic and polar, with cysteine, which is neutral and slightly polar, at codon 831 of the WDR35 protein (p.Arg831Cys). This variant is present in population databases (rs141190788, gnomAD 0.07%). This variant has not been reported in the literature in individuals affected with WDR35-related conditions. ClinVar contains an entry for this variant (Variation ID: 1328583). Algorithms developed to predict the effect of missense changes on protein structure and function are either unavailable or do not agree on the potential impact of this missense change (SIFT: "Deleterious"; PolyPhen-2: "Probably Damaging"; Align-GVGD: "Class C15"). In summary, the available evidence is currently insufficient to determine the role of this variant in disease. Therefore, it has been classified as a Variant of Uncertain Significance.

Breakthrough Genomics
Classification: Uncertain significance. Review status: criteria provided, single submitter. Criteria: ACMG Guidelines, 2015. Collection method: not provided. Allele origin: germline. Inheritance: Autosomal recessive inheritance. Affected: yes.